The following is an entry in ClinVar:

ClinVar aggregate classification (germline): Pathogenic (1 of 4 stars; one submission).

Conditions:
CHARGE syndrome (CHARGE). Also called: Coloboma, heart anomaly, choanal atresia, retardation, genital and ear anomalies; CHARGE association; Hall-Hittner syndrome; Hittner Hirsch Kreh syndrome; CHARGE ASSOCIATION--COLOBOMA, HEART ANOMALY, CHOANAL ATRESIA, RETARDATION, GENITAL AND EAR ANOMALIES. Identifiers: Orphanet 138, MedGen C0265354, MONDO:0008965.

Submission:

Labcorp Genetics (formerly Invitae), Labcorp
Classification: Pathogenic for CHARGE syndrome. Last evaluated: 2018-08-21. Review status: criteria provided, single submitter. Criteria: Invitae Variant Classification Sherloc (09022015). Collection method: clinical testing. Allele origin: germline.
Comment: This sequence change creates a premature translational stop signal (p.Gln297*) in the CHD7 gene. It is expected to result in an absent or disrupted protein product. This variant is not present in population databases (ExAC no frequency). Loss-of-function variants in CHD7 are known to be pathogenic (PMID: 22461308, 25077900). For these reasons, this variant has been classified as Pathogenic.

Literature cited by the submitters: PubMed 21158681; PubMed 22461308; PubMed 25077900.

NM_017780.4(CHD7):c.889C>T (p.Gln297Ter)

Gene: CHD7 (chromodomain helicase DNA binding protein 7; plus strand). Cytogenetic location: 8q12.2.
Variant type: single nucleotide variant.
Coding change: c.889C>T on transcript NM_017780.4 (MANE Select); coding-DNA position 889, C replaced by T.
Protein change: p.Gln297Ter; replaces glutamine 297 with a stop codon.
Molecular consequence: nonsense.
Genome position (GRCh38, 1-based): chr8:60,742,321, C>T. VCF-style: chr8-60742321-C-T. GRCh37 (hg19) VCF-style: chr8-61654880-C-T.
Other names: c.889C>T, p.Gln297Ter (NM_001316690.1); short protein forms Q297*.
Identifiers: ClinVar variation 661514 (VCV000661514.8), dbSNP rs1586249808, ClinGen allele CA371299912.
Genomic context (GRCh38, chr8:60,742,321, plus strand): 5'-CCGAATCCTCCCCAACAAGGGGCTGTTAGGCCGCAAACCCTTAACTTTAGTTCTCGGAGC[C>T]AGACAGTCCCCTCTCCTACTATAAACAACTCAGGGCAGTATTCTCGATATCCTTACAGTA-3'